The following is an entry in ClinVar:

NM_001395159.1(UNC79):c.3603T>G (p.Ala1201=)

Gene: UNC79 (unc-79 subunit of NALCN channel complex; plus strand). Cytogenetic location: 14q32.12.
Variant type: single nucleotide variant.
Coding change: c.3603T>G on transcript NM_001395159.1 (MANE Select); coding-DNA position 3603, T replaced by G.
Protein change: p.Ala1201=; no amino-acid change (alanine 1201 retained).
Molecular consequence: synonymous variant.
Genome position (GRCh38, 1-based): chr14:93,603,267, T>G. VCF-style: chr14-93603267-T-G. GRCh37 (hg19) VCF-style: chr14-94069613-T-G.
Other names: c.3603T>G, p.Ala1201= (NM_001346218.2); c.3072T>G, p.Ala1024= (NM_020818.5).
Identifiers: ClinVar variation 4979787 (VCV004979787.1).
Genomic context (GRCh38, chr14:93,603,267, plus strand): 5'-GAGTGATAGTCTCTTTAATTCCTTTTGCAAAGCCATCACTGCTGTGAGGACCAATGTTGC[T>G]AACCTCAGCGATGCAGCCTTATGGAAGATCAAGAGAGCTCGCTTTGCAAGAAACCGCCAG-3'
Protein context (NP_001382088.1, residues 1191-1211): TTITAVRTNV[Ala1201=]NLSDAALWKI

ClinVar aggregate classification (germline): Likely benign (1 of 4 stars; one submission).

Conditions:
UNC79-related disorder. Also called: UNC79-related condition.

gnomAD v4.1: 43 of 1,614,088 alleles (0.0027%); highest among the groups gnomAD compares: Non-Finnish European, 0.0035%; no homozygotes.

Submission:

PreventionGenetics, part of Exact Sciences
Classification: Likely benign for UNC79-related condition. Last evaluated: 2026-04-30. Review status: criteria provided, single submitter. Criteria: ACMG Guidelines, 2015. Collection method: clinical testing. Allele origin: germline.
Comment: This variant is classified as likely benign based on ACMG/AMP sequence variant interpretation guidelines (Richards et al. 2015 PMID: 25741868, with internal and published modifications).